The following is an entry in ClinVar:

NM_001848.3(COL6A1):c.717C>T (p.Ile239=)

Gene: COL6A1 (collagen type VI alpha 1 chain; plus strand). Cytogenetic location: 21q22.3.
Variant type: single nucleotide variant.
Coding change: c.717C>T on transcript NM_001848.3 (MANE Select); coding-DNA position 717, C replaced by T.
Protein change: p.Ile239=; no amino-acid change (isoleucine 239 retained).
Molecular consequence: synonymous variant.
Genome position (GRCh38, 1-based): chr21:45,987,072, C>T. VCF-style: chr21-45987072-C-T. GRCh37 (hg19) VCF-style: chr21-47406986-C-T.
Identifiers: ClinVar variation 197730 (VCV000197730.31), dbSNP rs775349013, ClinGen allele CA246042.

ClinVar aggregate classification (germline): Conflicting classifications of pathogenicity. Review status: criteria provided, conflicting classifications (1 of 4 stars). 3 submissions from 3 submitters: Uncertain significance (2); Likely benign (1). Last evaluated 2025-06-12.

Conditions:
Bethlem myopathy 1A. Also called: MYOPATHY, BENIGN CONGENITAL, WITH CONTRACTURES; Bethlem myopathy 1; Bethlem Muscular Dystrophy. Identifiers: Orphanet 610, MedGen CN029274, MONDO:0024530, OMIM 158810.

Allele frequency attached by ClinVar (database versions not stated): gnomAD 0.00002; gnomAD exomes 0.00002 and 0.00004; TOPMed 0.00002; ExAC 0.00010.
gnomAD v4.1: 29 of 1,557,502 alleles (0.0019%); highest among the groups gnomAD compares: Middle Eastern, 0.017%; no homozygotes.

Submissions (3):

Labcorp Genetics (formerly Invitae), Labcorp
Classification: Uncertain significance for Bethlem myopathy 1A. Last evaluated: 2025-06-12. Review status: criteria provided, single submitter. Criteria: Invitae Variant Classification Sherloc (09022015). Collection method: clinical testing. Allele origin: germline.
Comment: This sequence change affects codon 239 of the COL6A1 mRNA. It is a 'silent' change, meaning that it does not change the encoded amino acid sequence of the COL6A1 protein. It affects a nucleotide within the consensus splice site. This variant is present in population databases (rs775349013, gnomAD 0.01%). This variant has not been reported in the literature in individuals affected with COL6A1-related conditions. ClinVar contains an entry for this variant (Variation ID: 197730). Algorithms developed to predict the effect of sequence changes on RNA splicing suggest that this variant is not likely to affect RNA splicing. In summary, the available evidence is currently insufficient to determine the role of this variant in disease. Therefore, it has been classified as a Variant of Uncertain Significance.

CeGaT Center for Human Genetics Tuebingen
Classification: Likely benign. Last evaluated: 2024-02-01. Review status: criteria provided, single submitter. Criteria: CeGaT Center For Human Genetics Tuebingen Variant Classification Criteria Version 2. Collection method: clinical testing. Allele origin: germline. Affected: yes. Observed: 1 variant allele.
Comment: COL6A1: BP4, BP7

Eurofins Ntd Llc (ga)
Classification: Uncertain significance. Last evaluated: 2014-07-20. Review status: criteria provided, single submitter. Criteria: EGL Classification Definitions 2015. Collection method: clinical testing. Allele origin: germline. Observed: 1 variant allele, 1 heterozygote.